The following is an entry in ClinVar:

NM_000059.4(BRCA2):c.2950G>T (p.Glu984Ter)

Gene: BRCA2 (BRCA2 DNA repair associated; plus strand). Cytogenetic location: 13q13.1.
Variant type: single nucleotide variant.
Coding change: c.2950G>T on transcript NM_000059.4 (MANE Select); coding-DNA position 2950, G replaced by T.
Protein change: p.Glu984Ter; replaces glutamic acid 984 with a stop codon.
Molecular consequence: nonsense.
Genome position (GRCh38, 1-based): chr13:32,337,305, G>T. VCF-style: chr13-32337305-G-T. GRCh37 (hg19) VCF-style: chr13-32911442-G-T.
Other names: short protein forms E984*.
Identifiers: ClinVar variation 51376 (VCV000051376.4), dbSNP rs397507648, ClinGen allele CA016874.

ClinVar aggregate classification (germline): Pathogenic. Review status: reviewed by expert panel (3 of 4 stars). 3 submissions from 3 submitters: Pathogenic (1). 2 of the submissions do not count toward it. Last evaluated 2017-12-15.

Conditions:
Familial cancer of breast. Also called: BREAST CANCER, FAMILIAL; Hereditary breast cancer; hereditary breast carcinoma. Identifiers: Orphanet 227535, MedGen C0346153, MONDO:0016419, OMIM 114480. Disease mechanism: loss of function.
Breast-ovarian cancer, familial, susceptibility to, 2 (BROVCA2). Also called: BRCA2 Hereditary Breast and Ovarian Cancer. Identifiers: Orphanet 145, MedGen C2675520, MONDO:0012933, OMIM 612555. Disease mechanism: loss of function.

Submissions (3):

Evidence-based Network for the Interpretation of Germline Mutant Alleles (ENIGMA)
Classification: Pathogenic for Breast-ovarian cancer, familial, susceptibility to, 2. Last evaluated: 2017-12-15. Review status: reviewed by expert panel. Criteria: ENIGMA BRCA1/2 Classification Criteria (2017-06-29). Collection method: curation. Allele origin: germline. Study: ENIGMA.
Comment: Variant allele predicted to encode a truncated non-functional protein.

Baylor Genetics
Classification: Pathogenic for Familial cancer of breast. Last evaluated: 2023-07-14. Review status: criteria provided, single submitter. Criteria: ACMG Guidelines, 2015. Collection method: clinical testing. Allele origin: unknown. Not counted in ClinVar's aggregate classification.

ClinVar Staff, National Center for Biotechnology Information (NCBI)
No classification provided. Condition: Familial cancer of breast. Review status: no classification provided. Collection method: literature only. Allele origin: germline. Affected: yes. Not counted in ClinVar's aggregate classification.

Literature cited by the submitters: PubMed 18821011 (cited by ClinVar Staff, National Center for Biotechnology Information (NCBI)).